The following is an entry in ClinVar:

ClinVar aggregate classification (germline): Uncertain significance. Review status: criteria provided, multiple submitters, no conflicts (2 of 4 stars). 2 submissions from 2 submitters: Uncertain significance (2). Last evaluated 2022-05-21.

Conditions:
Inborn genetic diseases. Identifiers: MedGen C0950123, MeSH D030342.

Allele frequency attached by ClinVar (database versions not stated): ExAC 0.00002; gnomAD 0.00003; TOPMed 0.00003; gnomAD exomes 0.00005.
gnomAD v4.1: 80 of 1,606,772 alleles (0.005%); highest among the groups gnomAD compares: Non-Finnish European, 0.0062%; no homozygotes.

Submissions (2):

Labcorp Genetics (formerly Invitae), Labcorp
Classification: Uncertain significance. Last evaluated: 2022-05-21. Review status: criteria provided, single submitter. Criteria: Invitae Variant Classification Sherloc (09022015). Collection method: clinical testing. Allele origin: germline.
Comment: This sequence change replaces leucine, which is neutral and non-polar, with isoleucine, which is neutral and non-polar, at codon 474 of the SIN3A protein (p.Leu474Ile). This variant is present in population databases (rs747312732, gnomAD 0.007%). This variant has not been reported in the literature in individuals affected with SIN3A-related conditions. Algorithms developed to predict the effect of missense changes on protein structure and function are either unavailable or do not agree on the potential impact of this missense change (SIFT: "Tolerated"; PolyPhen-2: "Probably Damaging"; Align-GVGD: "Class C0"). In summary, the available evidence is currently insufficient to determine the role of this variant in disease. Therefore, it has been classified as a Variant of Uncertain Significance.

Ambry Genetics
Classification: Uncertain significance for Inborn genetic diseases. Last evaluated: 2021-06-15. Review status: criteria provided, single submitter. Criteria: Ambry Variant Classification Scheme 2023. Collection method: clinical testing. Allele origin: germline.

NM_001145358.2(SIN3A):c.1420C>A (p.Leu474Ile)

Gene: SIN3A (SIN3 transcription regulator family member A; minus strand). Cytogenetic location: 15q24.2.
Variant type: single nucleotide variant.
Coding change: c.1420C>A on transcript NM_001145358.2 (MANE Select); coding-DNA position 1420, C replaced by A.
Protein change: p.Leu474Ile; replaces leucine 474 with isoleucine.
Molecular consequence: missense variant.
Genome position (GRCh38, 1-based): chr15:75,401,958, G>T on the plus strand (C>A on the coding strand, the complement: SIN3A is on the minus strand). VCF-style: chr15-75401958-G-T. GRCh37 (hg19) VCF-style: chr15-75694299-G-T.
Other names: c.1420C>A, p.Leu474Ile (NM_001145357.2, NM_015477.3); short protein forms L474I.
Identifiers: ClinVar variation 1916560 (VCV001916560.3), dbSNP rs747312732, ClinGen allele CA7667640.